The following is an entry in ClinVar:

ClinVar aggregate classification (germline): Uncertain significance (1 of 4 stars; one submission).

gnomAD v4.1: 19 of 1,612,630 alleles (0.0012%); highest among the groups gnomAD compares: South Asian, 0.0088%; no homozygotes.

Submission:

Labcorp Genetics (formerly Invitae), Labcorp
Classification: Uncertain significance. Last evaluated: 2024-07-17. Review status: criteria provided, single submitter. Criteria: Invitae Variant Classification Sherloc (09022015). Collection method: clinical testing. Allele origin: germline.
Comment: This sequence change replaces arginine, which is basic and polar, with cysteine, which is neutral and slightly polar, at codon 4106 of the DNAH9 protein (p.Arg4106Cys). This variant is present in population databases (rs763364579, gnomAD 0.007%). This variant has not been reported in the literature in individuals affected with DNAH9-related conditions. Advanced modeling of protein sequence and biophysical properties (such as structural, functional, and spatial information, amino acid conservation, physicochemical variation, residue mobility, and thermodynamic stability) performed at Invitae indicates that this missense variant is expected to disrupt DNAH9 protein function with a positive predictive value of 80%. In summary, the available evidence is currently insufficient to determine the role of this variant in disease. Therefore, it has been classified as a Variant of Uncertain Significance.

NM_001372.4(DNAH9):c.12316C>T (p.Arg4106Cys)

Gene: DNAH9 (dynein axonemal heavy chain 9; plus strand). Cytogenetic location: 17p12.
Variant type: single nucleotide variant.
Coding change: c.12316C>T on transcript NM_001372.4 (MANE Select); coding-DNA position 12316, C replaced by T.
Protein change: p.Arg4106Cys; replaces arginine 4106 with cysteine.
Molecular consequence: missense variant.
Genome position (GRCh38, 1-based): chr17:11,933,898, C>T. VCF-style: chr17-11933898-C-T. GRCh37 (hg19) VCF-style: chr17-11837215-C-T.
Other names: c.1252C>T, p.Arg418Cys (NM_004662.2); short protein forms R4106C, R418C.
Identifiers: ClinVar variation 3628660 (VCV003628660.2).